The following is an entry in ClinVar:

ClinVar aggregate classification (germline): Pathogenic (0 of 4 stars; one submission).

Conditions:
Congenital generalized lipodystrophy type 1 (CGL1). Also called: Berardinelli-Seip Congenital Lipodystrophy Type 1; BRUNZELL SYNDROME, AGPAT2-RELATED. Identifiers: Orphanet 528, Orphanet 696189, MedGen C1720862, MONDO:0012071, OMIM 608594.

Submission:

Baylor Genetics
Classification: Pathogenic for Congenital generalized lipodystrophy type 1. Last evaluated: 2016-05-01. Review status: no assertion criteria provided. Collection method: clinical testing. Allele origin: paternal, germline. Inheritance: Autosomal recessive inheritance. Affected: yes.

NM_006412.4(AGPAT2):c.503G>A (p.Trp168Ter)

Gene: AGPAT2 (1-acylglycerol-3-phosphate O-acyltransferase 2; minus strand). Cytogenetic location: 9q34.3.
Variant type: single nucleotide variant.
Coding change: c.503G>A on transcript NM_006412.4 (MANE Select); coding-DNA position 503, G replaced by A.
Protein change: p.Trp168Ter; replaces tryptophan 168 with a stop codon.
Molecular consequence: nonsense. On other transcripts: intron variant (1).
Genome position (GRCh38, 1-based): chr9:136,676,670, C>T on the plus strand (G>A on the coding strand, the complement: AGPAT2 is on the minus strand). VCF-style: chr9-136676670-C-T. GRCh37 (hg19) VCF-style: chr9-139571122-C-T.
Other names: c.492+291G>A (NM_001012727.2); short protein forms W168*.
Identifiers: ClinVar variation 374338 (VCV000374338.1), dbSNP rs1057518714, ClinGen allele CA16043672.